The following is an entry in ClinVar:

NM_004329.3(BMPR1A):c.1467TGA[1] (p.Asp490del)

Gene: BMPR1A (bone morphogenetic protein receptor type 1A; plus strand). Cytogenetic location: 10q23.2.
Variant type: Microsatellite.
Coding change: c.1467TGA[1] on transcript NM_004329.3 (MANE Select); one copy of the 3-base unit TGA starting at c.1467; the reference has two copies in a row; one copy, 3 bases deleted.
Protein change: p.Asp490del; deletes aspartic acid 490.
Molecular consequence: inframe deletion.
Genome position (GRCh38, 1-based): chr10:86,923,503-86,923,505, TGA deleted; deleting any 3 consecutive bases within chr10:86,923,500-86,923,505 gives the same sequence; the position shown is the placement nearest the transcript's 3' end. VCF-style (leftmost placement, unchanged base first): chr10-86923499-GTGA-G. GRCh37 (hg19) VCF-style: chr10-88683256-GTGA-G.
Other names: c.1470_1472delTGA (NM_004329.2); short protein forms D490del.
Identifiers: ClinVar variation 529896 (VCV000529896.14), dbSNP rs1554891618, ClinGen allele CA658797471.
Genomic context (GRCh38, chr10:86,923,499, plus strand): 5'-ATATGCGTGAGGTTGTGTGTGTCAAACGTTTGCGGCCAATTGTGTCTAATCGGTGGAACA[GTGA>G]TGAAGTGAGTGGAACTCAGTCCCCTGAAGAAGTGATTCGTAAATGCCACCAAATATATTC-3'

ClinVar aggregate classification (germline): Uncertain significance. Review status: criteria provided, multiple submitters, no conflicts (2 of 4 stars). 2 submissions from 2 submitters: Uncertain significance (2). Last evaluated 2025-11-16.

Conditions:
Hereditary cancer-predisposing syndrome. Also called: Neoplastic Syndromes, Hereditary; Hereditary neoplastic syndrome; Tumor predisposition; Hereditary Cancer Syndrome. Identifiers: Orphanet 140162, MedGen C0027672, MeSH D009386, MONDO:0015356.
Juvenile polyposis syndrome (JPS). Identifiers: Orphanet 2929, MedGen C0345893, MONDO:0017380, OMIM 174900.

Submissions (2):

Labcorp Genetics (formerly Invitae), Labcorp
Classification: Uncertain significance for Juvenile polyposis syndrome. Last evaluated: 2025-11-16. Review status: criteria provided, single submitter. Criteria: Invitae Variant Classification Sherloc (09022015). Collection method: clinical testing. Allele origin: germline.
Comment: This variant, c.1470_1472del, results in the deletion of 1 amino acid(s) of the BMPR1A protein (p.Asp490del), but otherwise preserves the integrity of the reading frame. This variant is not present in population databases (gnomAD no frequency). This variant has not been reported in the literature in individuals affected with BMPR1A-related conditions. ClinVar contains an entry for this variant (Variation ID: 529896). Experimental studies and prediction algorithms are not available or were not evaluated, and the functional significance of this variant is currently unknown. In summary, the available evidence is currently insufficient to determine the role of this variant in disease. Therefore, it has been classified as a Variant of Uncertain Significance.

Ambry Genetics
Classification: Uncertain significance for Hereditary cancer-predisposing syndrome. Last evaluated: 2025-07-30. Review status: criteria provided, single submitter. Criteria: Ambry Variant Classification Scheme 2023. Collection method: clinical testing. Allele origin: germline.
Comment: The c.1470_1472delTGA variant (also known as p.D490del) is located in coding exon 10 of the BMPR1A gene. This variant results from an in-frame TGA deletion at nucleotide positions 1470 to 1472. This results in the in-frame deletion of an aspartic acid at codon 490. This amino acid position is well conserved in available vertebrate species. In addition, this alteration is predicted to be deleterious by in silico analysis (Choi Y et al. PLoS ONE. 2012; 7(10):e46688). Since supporting evidence is limited at this time, the clinical significance of this alteration remains unclear.